The following is an entry in ClinVar:

ClinVar aggregate classification (germline): Uncertain significance. Review status: criteria provided, multiple submitters, no conflicts (2 of 4 stars). 2 submissions from 2 submitters: Uncertain significance (2). Last evaluated 2024-09-21.

Conditions:
Finnish type amyloidosis. Also called: AMYLOID CRANIAL NEUROPATHY WITH LATTICE CORNEAL DYSTROPHY; AMYLOIDOSIS DUE TO MUTANT GELSOLIN; Lattice corneal dystrophy associated with familial systemic amyloidosis; Meretoja's syndrome; Lattice dystrophy of the cornea with hereditary generalized amyloidosis; Amyloidosis, familial, Finnish type. Identifiers: Orphanet 85448, MedGen C1622345, MONDO:0007097, OMIM 105120.

gnomAD v4.1: 23 of 1,610,968 alleles (0.0014%); highest among the groups gnomAD compares: South Asian, 0.0099%; no homozygotes.

Submissions (2):

Labcorp Genetics (formerly Invitae), Labcorp
Classification: Uncertain significance. Last evaluated: 2024-09-21. Review status: criteria provided, single submitter. Criteria: Invitae Variant Classification Sherloc (09022015). Collection method: clinical testing. Allele origin: germline.
Comment: This sequence change replaces alanine, which is neutral and non-polar, with valine, which is neutral and non-polar, at codon 269 of the GSN protein (p.Ala269Val). This variant is present in population databases (rs748635328, gnomAD 0.01%). This variant has not been reported in the literature in individuals affected with GSN-related conditions. Invitae Evidence Modeling of protein sequence and biophysical properties (such as structural, functional, and spatial information, amino acid conservation, physicochemical variation, residue mobility, and thermodynamic stability) indicates that this missense variant is not expected to disrupt GSN protein function with a negative predictive value of 80%. Algorithms developed to predict the effect of sequence changes on RNA splicing suggest that this variant may disrupt the consensus splice site. In summary, the available evidence is currently insufficient to determine the role of this variant in disease. Therefore, it has been classified as a Variant of Uncertain Significance.

Fulgent Genetics
Classification: Uncertain significance for Finnish type amyloidosis. Last evaluated: 2024-04-23. Review status: criteria provided, single submitter. Criteria: ACMG Guidelines, 2015. Collection method: clinical testing. Allele origin: germline.

NM_198252.3(GSN):c.653C>T (p.Ala218Val)

Gene: GSN (gelsolin; plus strand). Cytogenetic location: 9q33.2.
Variant type: single nucleotide variant.
Coding change: c.653C>T on transcript NM_198252.3 (MANE Select); coding-DNA position 653, C replaced by T.
Protein change: p.Ala218Val; replaces alanine 218 with valine.
Molecular consequence: missense variant. On other transcripts: 5 prime UTR variant (1).
Genome position (GRCh38, 1-based): chr9:121,312,478, C>T. VCF-style: chr9-121312478-C-T. GRCh37 (hg19) VCF-style: chr9-124074756-C-T.
Other names: c.686C>T, p.Ala229Val (NM_001353069.2, NM_001353070.2, NM_001353071.2 and 13 more transcripts); c.725C>T, p.Ala242Val (NM_001353076.2); c.-2C>T (NM_001353078.2); c.806C>T, p.Ala269Val (NM_000177.5); c.653C>T, p.Ala218Val (NM_001127662.2, NM_001127664.2, NM_001127665.2 and 10 more transcripts); c.761C>T, p.Ala254Val (NM_001127663.2); c.704C>T, p.Ala235Val (NM_001258029.2); c.677C>T, p.Ala226Val (NM_001258030.2); short protein forms A229V, A242V, A254V, A269V, A235V, A218V, A226V.
Identifiers: ClinVar variation 3596400 (VCV003596400.3).